The following is an entry in ClinVar:

NM_001330360.2(POLA1):c.3736+3A>G

Gene: POLA1 (DNA polymerase alpha 1, catalytic subunit; plus strand). Cytogenetic location: Xp22.11.
Variant type: single nucleotide variant.
Coding change: c.3736+3A>G on transcript NM_001330360.2 (MANE Select); 3 bases into the intron after coding-DNA position 3736, A replaced by G.
Molecular consequence: intron variant.
Genome position (GRCh38, 1-based): chrX:24,826,604, A>G. VCF-style: chrX-24826604-A-G. GRCh37 (hg19) VCF-style: chrX-24844721-A-G.
Other names: c.3661+3A>G (NM_001378303.1); c.3718+3A>G (NM_016937.4).
Identifiers: ClinVar variation 2877948 (VCV002877948.3), dbSNP rs1299760951, ClinGen allele CA641363990.

ClinVar aggregate classification (germline): Uncertain significance (1 of 4 stars; one submission).

Allele frequency attached by ClinVar (database versions not stated): gnomAD exomes below 0.00001; TOPMed below 0.00001.
gnomAD v4.1: 2 of 1,165,552 alleles (0.00017%); highest among the groups gnomAD compares: Admixed American, 0.0023%; no homozygotes.

Submission:

Labcorp Genetics (formerly Invitae), Labcorp
Classification: Uncertain significance. Last evaluated: 2023-10-06. Review status: criteria provided, single submitter. Criteria: Invitae Variant Classification Sherloc (09022015). Collection method: clinical testing. Allele origin: germline.
Comment: This sequence change falls in intron 32 of the POLA1 gene. It does not directly change the encoded amino acid sequence of the POLA1 protein. It affects a nucleotide within the consensus splice site. The frequency data for this variant in the population databases is considered unreliable, as metrics indicate poor data quality at this position in the gnomAD database. This variant has not been reported in the literature in individuals affected with POLA1-related conditions. Variants that disrupt the consensus splice site are a relatively common cause of aberrant splicing (PMID: 17576681, 9536098). Algorithms developed to predict the effect of sequence changes on RNA splicing suggest that this variant is not likely to affect RNA splicing. In summary, the available evidence is currently insufficient to determine the role of this variant in disease. Therefore, it has been classified as a Variant of Uncertain Significance.

Literature cited by the submitters: PubMed 17576681; PubMed 9536098.